The following is an entry in ClinVar:

NM_032409.3(PINK1):c.1544A>G (p.His515Arg)

Genes: PINK1 (PTEN induced kinase 1; plus strand), PINK1-AS (PINK1 antisense RNA; minus strand). Cytogenetic location: 1p36.12.
Variant type: single nucleotide variant.
Coding change: c.1544A>G on transcript NM_032409.3 (MANE Select); coding-DNA position 1544, A replaced by G.
Protein change: p.His515Arg; replaces histidine 515 with arginine.
Molecular consequence: missense variant. On other transcripts: non-coding transcript variant (1).
Genome position (GRCh38, 1-based): chr1:20,650,489, A>G. VCF-style: chr1-20650489-A-G. GRCh37 (hg19) VCF-style: chr1-20976982-A-G.
Other names: p.His515Arg; c.1544A>G (NM_032409.2); short protein forms H515R.
Identifiers: ClinVar variation 1507469 (VCV001507469.5), dbSNP rs141363209, ClinGen allele CA660878.

ClinVar aggregate classification (germline): Uncertain significance. Review status: criteria provided, multiple submitters, no conflicts (2 of 4 stars). 3 submissions from 3 submitters: Uncertain significance (3). Last evaluated 2024-05-30.

Conditions:
Autosomal recessive early-onset Parkinson disease 6 (PARK6). Also called: PINK1-Related Parkinson Disease; PARKINSON DISEASE 6, MODIFIER OF; PINK1 Type of Young-Onset Parkinson Disease; PARKINSON DISEASE 6, EARLY-ONSET. Identifiers: Orphanet 2828, MedGen C1853833, MONDO:0011613, OMIM 605909.
Inborn genetic diseases. Identifiers: MedGen C0950123, MeSH D030342.

Allele frequency attached by ClinVar (database versions not stated): gnomAD exomes below 0.00001 and 0.00002; ExAC 0.00002; gnomAD 0.00004 and 0.00005; ESP Exome Variant Server 0.00008; 1000 Genomes Project 30x 0.00016; 1000 Genomes Project 0.00020; TOPMed 0.00006.
gnomAD v4.1: 14 of 1,614,172 alleles (0.00087%); highest among the groups gnomAD compares: Admixed American, 0.0083%; no homozygotes.

Submissions (3):

Ambry Genetics
Classification: Uncertain significance for Inborn genetic diseases. Last evaluated: 2024-05-30. Review status: criteria provided, single submitter. Criteria: Ambry Variant Classification Scheme 2023. Collection method: clinical testing. Allele origin: germline.

Mayo Clinic Laboratories, Mayo Clinic
Classification: Uncertain significance. Last evaluated: 2023-12-06. Review status: criteria provided, single submitter. Criteria: ACMG Guidelines, 2015. Collection method: clinical testing. Allele origin: germline. Observed: 1 variant allele.
Comment: BP4

Labcorp Genetics (formerly Invitae), Labcorp
Classification: Uncertain significance for Autosomal recessive early-onset Parkinson disease 6. Last evaluated: 2022-02-08. Review status: criteria provided, single submitter. Criteria: Invitae Variant Classification Sherloc (09022015). Collection method: clinical testing. Allele origin: germline.
Comment: This sequence change replaces histidine, which is basic and polar, with arginine, which is basic and polar, at codon 515 of the PINK1 protein (p.His515Arg). This variant is present in population databases (rs141363209, gnomAD 0.02%). This variant has not been reported in the literature in individuals affected with PINK1-related conditions. Algorithms developed to predict the effect of missense changes on protein structure and function output the following: SIFT: "Tolerated"; PolyPhen-2: "Benign"; Align-GVGD: "Class C0". The arginine amino acid residue is found in multiple mammalian species, which suggests that this missense change does not adversely affect protein function. In summary, the available evidence is currently insufficient to determine the role of this variant in disease. Therefore, it has been classified as a Variant of Uncertain Significance.